The following is an entry in ClinVar:

NM_000388.4(CASR):c.3124C>T (p.Pro1042Ser)

Gene: CASR (calcium sensing receptor; plus strand). Cytogenetic location: 3q21.1.
Variant type: single nucleotide variant.
Coding change: c.3124C>T on transcript NM_000388.4 (MANE Select); coding-DNA position 3124, C replaced by T.
Protein change: p.Pro1042Ser; replaces proline 1042 with serine.
Molecular consequence: missense variant.
Genome position (GRCh38, 1-based): chr3:122,285,078, C>T. VCF-style: chr3-122285078-C-T. GRCh37 (hg19) VCF-style: chr3-122003925-C-T.
Other names: c.3154C>T, p.Pro1052Ser (NM_001178065.2); short protein forms P1042S, P1052S.
Identifiers: ClinVar variation 1511274 (VCV001511274.6), dbSNP rs2074953862, ClinGen allele CA354161488.
Genomic context (GRCh38, chr3:122,285,078, plus strand): 5'-GACTTAGATCTGACCGTCCAGGAAACAGGTCTGCAAGGACCTGTGGGTGGAGACCAGCGG[C>T]CAGAGGTGGAGGACCCTGAAGAGTTGTCCCCAGCACTTGTAGTGTCCAGTTCACAGAGCT-3'
Protein context (NP_000379.3, residues 1032-1052): LQGPVGGDQR[Pro1042Ser]EVEDPEELSP

ClinVar aggregate classification (germline): Uncertain significance (1 of 4 stars; one submission).

Conditions:
Familial hypocalciuric hypercalcemia (FHH). Also called: Familial benign hypercalcemia. Identifiers: Orphanet 405, MedGen C1809471, MONDO:0018458.
Autosomal dominant hypocalcemia 1 (HYPOC1). Also called: HYPOCALCEMIA, FAMILIAL. Identifiers: MedGen C3715128, MONDO:0011013, OMIM 601198.

Allele frequency attached by ClinVar (database versions not stated): gnomAD exomes below 0.00001.
gnomAD v4.1: 1 of 1,614,196 alleles (0.000062%); highest among the groups gnomAD compares: Non-Finnish European, 0.000085%; no homozygotes.

Submission:

Labcorp Genetics (formerly Invitae), Labcorp
Classification: Uncertain significance for Familial hypocalciuric hypercalcemia; Autosomal dominant hypocalcemia 1. Last evaluated: 2024-02-13. Review status: criteria provided, single submitter. Criteria: Invitae Variant Classification Sherloc (09022015). Collection method: clinical testing. Allele origin: germline.
Comment: This sequence change replaces proline, which is neutral and non-polar, with serine, which is neutral and polar, at codon 1042 of the CASR protein (p.Pro1042Ser). This variant is not present in population databases (gnomAD no frequency). This variant has not been reported in the literature in individuals affected with CASR-related conditions. ClinVar contains an entry for this variant (Variation ID: 1511274). An algorithm developed to predict the effect of missense changes on protein structure and function (PolyPhen-2) suggests that this variant is likely to be tolerated. In summary, the available evidence is currently insufficient to determine the role of this variant in disease. Therefore, it has been classified as a Variant of Uncertain Significance.